The following is an entry in ClinVar:

NM_198525.3(KIF7):c.1221C>G (p.Ala407=)

Gene: KIF7 (kinesin family member 7; minus strand). Cytogenetic location: 15q26.1.
Variant type: single nucleotide variant.
Coding change: c.1221C>G on transcript NM_198525.3 (MANE Select); coding-DNA position 1221, C replaced by G.
Protein change: p.Ala407=; no amino-acid change (alanine 407 retained).
Molecular consequence: synonymous variant.
Genome position (GRCh38, 1-based): chr15:89,648,477, G>C on the plus strand (C>G on the coding strand, the complement: KIF7 is on the minus strand). VCF-style: chr15-89648477-G-C. GRCh37 (hg19) VCF-style: chr15-90191708-G-C.
Identifiers: ClinVar variation 1629435 (VCV001629435.33), dbSNP rs886051535, ClinGen allele CA274582490.

ClinVar aggregate classification (germline): Likely benign. Review status: criteria provided, multiple submitters, no conflicts (2 of 4 stars). 3 submissions from 3 submitters: Likely benign (3). Last evaluated 2026-01-05.

Conditions:
Acrocallosal syndrome (ACLS). Also called: Schinzel syndrome 1; Absence of corpus callosum with unusual facial appearance, mental deficiency, duplication of the halluces and polydactyly; HALLUX DUPLICATION, POSTAXIAL POLYDACTYLY, AND ABSENCE OF CORPUS CALLOSUM. Identifiers: Orphanet 36, MedGen C0796147, MONDO:0008708, OMIM 200990.

Allele frequency attached by ClinVar (database versions not stated): 1000 Genomes Project 30x 0.00016.
gnomAD v4.1: 52 of 1,044,288 alleles (0.005%); highest among the groups gnomAD compares: Admixed American, 0.011%; no homozygotes.

Submissions (3):

Labcorp Genetics (formerly Invitae), Labcorp
Classification: Likely benign for Acrocallosal syndrome. Last evaluated: 2026-01-05. Review status: criteria provided, single submitter. Criteria: Invitae Variant Classification Sherloc (09022015). Collection method: clinical testing. Allele origin: germline.

Blueprint Genetics
Classification: Likely benign. Last evaluated: 2024-11-20. Review status: criteria provided, single submitter. Criteria: ACMG Guidelines, 2015. Collection method: clinical testing. Allele origin: germline.

CeGaT Center for Human Genetics Tuebingen
Classification: Likely benign. Last evaluated: 2023-10-01. Review status: criteria provided, single submitter. Criteria: CeGaT Center For Human Genetics Tuebingen Variant Classification Criteria Version 2. Collection method: clinical testing. Allele origin: germline. Affected: yes. Observed: 1 variant allele.
Comment: KIF7: BP4, BP7